The following is an entry in ClinVar:

NM_001165963.4(SCN1A):c.1931_1939delinsA (p.Thr644fs)

Gene: SCN1A (sodium voltage-gated channel alpha subunit 1; minus strand). Cytogenetic location: 2q24.3.
Variant type: Indel.
Coding change: c.1931_1939delinsA on transcript NM_001165963.4 (MANE Select); coding-DNA positions 1931 to 1939, CTGTGGATT replaced by A.
Protein change: p.Thr644fs; shifts the reading frame from threonine 644.
Molecular consequence: frameshift variant. On other transcripts: 5 prime UTR variant (1), non-coding transcript variant (1).
Genome position (GRCh38, 1-based): chr2:166,043,773-166,043,781, AATCCACAG replaced by T on the plus strand (CTGTGGATT replaced by A on the coding strand, the reverse complement: SCN1A is on the minus strand). VCF-style: chr2-166043773-AATCCACAG-T. GRCh37 (hg19) VCF-style: chr2-166900283-AATCCACAG-T.
Other names: c.1931_1939delinsA, p.Thr644fs (NM_001165964.3, NM_001202435.3, NM_001353948.2 and 7 more transcripts); c.1928_1936delinsA, p.Thr643fs (NM_001353954.2, NM_001353955.2, NM_001353960.2); c.-495_-487delinsA (NM_001353961.2); short protein forms T643fs, T644fs.
Identifiers: ClinVar variation 461246 (VCV000461246.4), dbSNP rs1553544579, ClinGen allele CA658657111.
Genomic context (GRCh38, chr2:166,043,773, plus strand): 5'-GCTGTCCAACAGGCGATGTAGGAACTGAAGGTCCACCAACCAAGGAAACCACACCATTGC[AATCCACAG>T]TGCTGTGCATCTTCCCATTCGCTGGAAACACTGCCAGCATCCGGGATGACCTACTGGTCT-3'

ClinVar aggregate classification (germline): Pathogenic (1 of 4 stars; one submission).

Conditions:
Developmental and epileptic encephalopathy. Identifiers: MedGen C5779964, MONDO:0100620.

Submission:

Labcorp Genetics (formerly Invitae), Labcorp
Classification: Pathogenic for Early infantile epileptic encephalopathy with suppression bursts. Last evaluated: 2019-07-23. Review status: criteria provided, single submitter. Criteria: Invitae Variant Classification Sherloc (09022015). Collection method: clinical testing. Allele origin: germline.
Comment: This sequence change creates a premature translational stop signal (p.Val645Glnfs*28) in the SCN1A gene. It is expected to result in an absent or disrupted protein product. This variant is not present in population databases (ExAC no frequency). This variant has not been reported in the literature in individuals with SCN1A-related disease. Loss-of-function variants in SCN1A are known to be pathogenic (PMID: 17347258, 18930999). For these reasons, this variant has been classified as Pathogenic.